The following is an entry in ClinVar:

NM_001142800.2(EYS):c.8715G>A (p.Trp2905Ter)

Genes: EYS (EGF-like photoreceptor maintenance factor; minus strand), PHF3 (PHD finger protein 3; plus strand). Cytogenetic location: 6q12.
Variant type: single nucleotide variant.
Coding change: c.8715G>A on transcript NM_001142800.2 (MANE Select); coding-DNA position 8715, G replaced by A.
Protein change: p.Trp2905Ter; replaces tryptophan 2905 with a stop codon.
Molecular consequence: nonsense. On other transcripts: 3 prime UTR variant (5).
Genome position (GRCh38, 1-based): chr6:63,721,316, C>T on the plus strand (G>A on the coding strand, the complement: EYS is on the minus strand). VCF-style: chr6-63721316-C-T. GRCh37 (hg19) VCF-style: chr6-64431212-C-T.
Other names: c.*7608C>T (NM_001290259.2, NM_001370348.2, NM_001370349.2 and 2 more transcripts); c.8778G>A, p.Trp2926Ter (NM_001292009.2); short protein forms W2905*, W2926*.
Identifiers: ClinVar variation 2754856 (VCV002754856.3), dbSNP rs2533390299, ClinGen allele CA364384140.
Genomic context (GRCh38, chr6:63,721,316, plus strand): 5'-AGATTGGTGGAGGCAAAGATTATTCAAACAGGACACAGACTGGTTACATGTATTTCCAGC[C>T]CAATCTGGCAAACATCTGCAAGAAAAAGTTGTGCCATTTACTGTACATTCACCTCCATTT-3'

ClinVar aggregate classification (germline): Pathogenic (1 of 4 stars; one submission).

Submission:

Labcorp Genetics (formerly Invitae), Labcorp
Classification: Pathogenic. Last evaluated: 2023-08-24. Review status: criteria provided, single submitter. Criteria: Invitae Variant Classification Sherloc (09022015). Collection method: clinical testing. Allele origin: germline.
Comment: For these reasons, this variant has been classified as Pathogenic. This variant disrupts a region of the EYS protein in which other variant(s) (p.Tyr3135*) have been determined to be pathogenic (PMID: 18976725, 30337596). This suggests that this is a clinically significant region of the protein, and that variants that disrupt it are likely to be disease-causing. This variant has not been reported in the literature in individuals affected with EYS-related conditions. This variant is not present in population databases (gnomAD no frequency). This sequence change creates a premature translational stop signal (p.Trp2905*) in the EYS gene. While this is not anticipated to result in nonsense mediated decay, it is expected to disrupt the last 240 amino acid(s) of the EYS protein.

Literature cited by the submitters: PubMed 18976725; PubMed 30337596.